The following is an entry in ClinVar:

ClinVar aggregate classification (germline): Uncertain significance (1 of 4 stars; one submission).

Conditions:
Hermansky-Pudlak syndrome 2 (HPS2). Also called: Platelet defects and oculocutaneous albinism. Identifiers: Orphanet 183678, Orphanet 79430, MedGen C1842362, MONDO:0011997, OMIM 608233.

Allele frequency attached by ClinVar (database versions not stated): gnomAD exomes below 0.00001; TOPMed below 0.00001; ExAC 0.00002.
gnomAD v4.1: 1 of 1,614,234 alleles (0.000062%); highest among the groups gnomAD compares: Admixed American, 0.0017%; no homozygotes.

Submission:

Labcorp Genetics (formerly Invitae), Labcorp
Classification: Uncertain significance for Hermansky-Pudlak syndrome 2. Last evaluated: 2024-03-11. Review status: criteria provided, single submitter. Criteria: Invitae Variant Classification Sherloc (09022015). Collection method: clinical testing. Allele origin: germline.
Comment: This sequence change replaces glycine, which is neutral and non-polar, with alanine, which is neutral and non-polar, at codon 710 of the AP3B1 protein (p.Gly710Ala). This variant is present in population databases (rs777032367, gnomAD 0.003%). This variant has not been reported in the literature in individuals affected with AP3B1-related conditions. ClinVar contains an entry for this variant (Variation ID: 1446982). An algorithm developed to predict the effect of missense changes on protein structure and function (PolyPhen-2) suggests that this variant is likely to be tolerated. In summary, the available evidence is currently insufficient to determine the role of this variant in disease. Therefore, it has been classified as a Variant of Uncertain Significance.

NM_003664.5(AP3B1):c.2129G>C (p.Gly710Ala)

Gene: AP3B1 (adaptor related protein complex 3 subunit beta 1; minus strand). Cytogenetic location: 5q14.1.
Variant type: single nucleotide variant.
Coding change: c.2129G>C on transcript NM_003664.5 (MANE Select); coding-DNA position 2129, G replaced by C.
Protein change: p.Gly710Ala; replaces glycine 710 with alanine.
Molecular consequence: missense variant.
Genome position (GRCh38, 1-based): chr5:78,113,872, C>G on the plus strand (G>C on the coding strand, the complement: AP3B1 is on the minus strand). VCF-style: chr5-78113872-C-G. GRCh37 (hg19) VCF-style: chr5-77409696-C-G.
Other names: c.1982G>C, p.Gly661Ala (NM_001271769.2); short protein forms G661A, G710A.
Identifiers: ClinVar variation 1446982 (VCV001446982.6), dbSNP rs777032367, ClinGen allele CA3316841.
Genomic context (GRCh38, chr5:78,113,872, plus strand): 5'-CGTCCACTCTCACTGTCCTGCTCACTGGAGGAGTCCTCACTGCTGTCCTCATTGCTGTCT[C>G]CTTCCTCCCCACTTTCGCCTTGTTCTCCACTTTCACTTCCAGATTCACTCTCTGAAAAAC-3'
Protein context (NP_003655.3, residues 700-720): SGEQGESGEE[Gly710Ala]DSNEDSSEDS